The following is an entry in ClinVar:

ClinVar aggregate classification (germline): Uncertain significance (1 of 4 stars; one submission).

Conditions:
Type A2 brachydactyly (BDA2). Also called: BRACHYMESOPHALANGY II; MOHR-WRIEDT TYPE BRACHYDACTYLY; Brachymesophalangy type 2. Identifiers: Orphanet 93396, MedGen C1832702, MONDO:0007216, OMIM 112600, HP:0009372.
Acromesomelic dysplasia 3 (AMD3). Also called: Acromesomelic dysplasia, Demirhan type; CHONDRODYSPLASIA, ACROMESOMELIC, WITH OR WITHOUT GENITAL ANOMALIES. Identifiers: MedGen C4225404, MONDO:0012274, OMIM 609441.

Submission:

Labcorp Genetics (formerly Invitae), Labcorp
Classification: Uncertain significance for Type A2 brachydactyly; Acromesomelic dysplasia 3. Last evaluated: 2022-12-17. Review status: criteria provided, single submitter. Criteria: Invitae Variant Classification Sherloc (09022015). Collection method: clinical testing. Allele origin: germline.
Comment: This sequence change replaces proline, which is neutral and non-polar, with alanine, which is neutral and non-polar, at codon 23 of the BMPR1B protein (p.Pro23Ala). This variant is not present in population databases (gnomAD no frequency). This variant has not been reported in the literature in individuals affected with BMPR1B-related conditions. Advanced modeling of protein sequence and biophysical properties (such as structural, functional, and spatial information, amino acid conservation, physicochemical variation, residue mobility, and thermodynamic stability) performed at Invitae indicates that this missense variant is not expected to disrupt BMPR1B protein function. In summary, the available evidence is currently insufficient to determine the role of this variant in disease. Therefore, it has been classified as a Variant of Uncertain Significance.

NM_001203.3(BMPR1B):c.67C>G (p.Pro23Ala)

Gene: BMPR1B (bone morphogenetic protein receptor type 1B; plus strand). Cytogenetic location: 4q22.3.
Variant type: single nucleotide variant.
Coding change: c.67C>G on transcript NM_001203.3 (MANE Select); coding-DNA position 67, C replaced by G.
Protein change: p.Pro23Ala; replaces proline 23 with alanine.
Molecular consequence: missense variant.
Genome position (GRCh38, 1-based): chr4:95,104,491, C>G. VCF-style: chr4-95104491-C-G. GRCh37 (hg19) VCF-style: chr4-96025642-C-G.
Other names: c.67C>G, p.Pro23Ala (NM_001256792.2, NM_001256794.1); c.157C>G, p.Pro53Ala (NM_001256793.2); short protein forms P53A, P23A.
Identifiers: ClinVar variation 2942439 (VCV002942439.3), dbSNP rs2530112315, ClinGen allele CA357738077.